The following is an entry in ClinVar:

NM_032638.5(GATA2):c.1442A>G (p.Ter481Trp)

Gene: GATA2 (GATA binding protein 2; minus strand). Cytogenetic location: 3q21.3.
Variant type: single nucleotide variant.
Coding change: c.1442A>G on transcript NM_032638.5 (MANE Select); coding-DNA position 1442, A replaced by G.
Protein change: p.Ter481Trp.
Molecular consequence: stop lost.
Genome position (GRCh38, 1-based): chr3:128,481,020, T>C on the plus strand (A>G on the coding strand, the complement: GATA2 is on the minus strand). VCF-style: chr3-128481020-T-C. GRCh37 (hg19) VCF-style: chr3-128199863-T-C.
Other names: c.1442A>G, p.Ter481Trp (NM_001145661.2); c.1400A>G, p.Ter467Trp (NM_001145662.1).
Identifiers: ClinVar variation 2948333 (VCV002948333.3), dbSNP rs2472917977, ClinGen allele CA354412361.

ClinVar aggregate classification (germline): Uncertain significance (1 of 4 stars; one submission).

Conditions:
Deafness-lymphedema-leukemia syndrome. Also called: Lymphedema, primary, with myelodysplasia; Emberger syndrome. Identifiers: Orphanet 3226, MedGen C3279664, MONDO:0013540, OMIM 614038.
Monocytopenia with susceptibility to infections. Also called: MONOCYTOPENIA AND MYCOBACTERIAL INFECTION SYNDROME; MONOCYTOPENIA WITH SUSCEPTIBILITY TO MYCOBACTERIAL, FUNGAL, AND PAPILLOMAVIRUS INFECTIONS AND MYELODYSPLASIA; COMBINED IMMUNODEFICIENCY WITH SUSCEPTIBILITY TO MYCOBACTERIAL, VIRAL, AND FUNGAL INFECTIONS; Dendritic cell, monocyte, B lymphocyte, and natural killer lymphocyte deficiency; IMMUNODEFICIENCY 21; GATA2 DEFICIENCY. Identifiers: Orphanet 228423, MedGen C3280030, MONDO:0013607, OMIM 614172.

Submission:

Labcorp Genetics (formerly Invitae), Labcorp
Classification: Uncertain significance for Monocytopenia with susceptibility to infections; Deafness-lymphedema-leukemia syndrome. Last evaluated: 2023-12-27. Review status: criteria provided, single submitter. Criteria: Invitae Variant Classification Sherloc (09022015). Collection method: clinical testing. Allele origin: germline.
Comment: This sequence change disrupts the translational stop signal of the GATA2 mRNA. It is expected to extend the length of the GATA2 protein by 19 additional amino acid residues. This variant is not present in population databases (gnomAD no frequency). This variant has not been reported in the literature in individuals affected with GATA2-related conditions. Experimental studies and prediction algorithms are not available or were not evaluated, and the functional significance of this variant is currently unknown. In summary, the available evidence is currently insufficient to determine the role of this variant in disease. Therefore, it has been classified as a Variant of Uncertain Significance.